The following is an entry in ClinVar:

NM_000051.4(ATM):c.6930T>C (p.Ser2310=)

Genes: ATM (ATM serine/threonine kinase; plus strand), C11orf65 (chromosome 11 open reading frame 65; minus strand). Cytogenetic location: 11q22.3.
Variant type: single nucleotide variant.
Coding change: c.6930T>C on transcript NM_000051.4 (MANE Select); coding-DNA position 6930, T replaced by C.
Protein change: p.Ser2310=; no amino-acid change (serine 2310 retained).
Molecular consequence: synonymous variant. On other transcripts: intron variant (2).
Genome position (GRCh38, 1-based): chr11:108,326,180, T>C. VCF-style: chr11-108326180-T-C. GRCh37 (hg19) VCF-style: chr11-108196907-T-C.
Other names: c.6930T>C, p.Ser2310= (NM_001351834.2); c.641-17109A>G (NM_001330368.2); c.*38+9040A>G (NM_001351110.2).
Identifiers: ClinVar variation 233887 (VCV000233887.15), dbSNP rs876660710, ClinGen allele CA10579241.
Genomic context (GRCh38, chr11:108,326,180, plus strand): 5'-GTGGCAGCTGGAAGAAGCACAAGTATTCTGGGCAAAAAAGGAGCAGAGTCTTGCCCTGAG[T>C]ATTCTCAAGCAAATGATCAAGAAGTTGGATGCCAGCTGTGCAGCGGTTTGTTTTTTTTAT-3'
Protein context (NP_000042.3, residues 2300-2320): WAKKEQSLAL[Ser2310=]ILKQMIKKLD

ClinVar aggregate classification (germline): Benign/Likely benign. Review status: criteria provided, multiple submitters, no conflicts (2 of 4 stars). 3 submissions from 3 submitters: Benign (1); Likely benign (2). Last evaluated 2024-06-12.

Conditions:
Hereditary cancer-predisposing syndrome. Also called: Neoplastic Syndromes, Hereditary; Hereditary neoplastic syndrome; Tumor predisposition; Hereditary Cancer Syndrome. Identifiers: Orphanet 140162, MedGen C0027672, MeSH D009386, MONDO:0015356.
Familial cancer of breast. Also called: hereditary breast carcinoma; Hereditary breast cancer; BREAST CANCER, FAMILIAL. Identifiers: Orphanet 227535, MedGen C0346153, MONDO:0016419, OMIM 114480. Disease mechanism: loss of function.
Ataxia-telangiectasia syndrome (AT). Also called: Ataxia telangiectasia (A-T); Cerebello-oculocutaneous telangiectasia; Immunodeficiency with ataxia telangiectasia; LOUIS-BAR SYNDROME; AT, COMPLEMENTATION GROUP C; ATAXIA-TELANGIECTASIA, FRESNO VARIANT. Identifiers: Orphanet 100, MedGen C0004135, MONDO:0008840, OMIM 208900.

Submissions (3):

Myriad Genetics, Inc.
Classification: Benign for Familial cancer of breast. Last evaluated: 2024-06-12. Review status: criteria provided, single submitter. Criteria: Myriad Autosomal Dominant, Autosomal Recessive and X-Linked Classification Criteria (2023). Collection method: clinical testing. Allele origin: unknown.
Comment: This variant is considered benign. This variant is a silent/synonymous amino acid change and it is not expected to impact splicing.

Labcorp Genetics (formerly Invitae), Labcorp
Classification: Likely benign for Ataxia-telangiectasia syndrome. Last evaluated: 2022-01-31. Review status: criteria provided, single submitter. Criteria: Invitae Variant Classification Sherloc (09022015). Collection method: clinical testing. Allele origin: germline.

Ambry Genetics
Classification: Likely benign for Hereditary cancer-predisposing syndrome. Last evaluated: 2015-09-13. Review status: criteria provided, single submitter. Criteria: Ambry Variant Classification Scheme 2023. Collection method: clinical testing. Allele origin: germline.